The following is an entry in ClinVar:

ClinVar aggregate classification (germline): Pathogenic (1 of 4 stars; one submission).

Submission:

Clinical Genomics Laboratory, Laboratory for Precision Diagnostics, University of Washington
Classification: Pathogenic. Last evaluated: 2024-05-17. Review status: criteria provided, single submitter. Criteria: ACMG/ClinGen CNV Guidelines, 2019. Collection method: clinical testing. Allele origin: unknown. Affected: yes. Observed: 1 variant allele.
Comment: This interstitial deletion is approximately 2.77 Mb in size. This is not a known haploinsufficient genomic region. This deletion encompasses all or part of 92 protein-coding genes, 54 of which are olfactory receptor genes. None of the genes in this region are known to cause medical problems in humans when one copy is deleted (haploinsufficiency). Multiple genes in this region are predicted to be haploinsufficient by more than one model (APBB1, TRIM3, DCHS1). No similar deletions appear in the Database of Genomic Variants or gnomAD, nor in ClinVar. DECIPHER has three people with similar deletions. DECIPHER 284239 has a maternally-inherited 2.36 Mb deletion very similar to the one found in this fetus, but has a frameshift variant in ANKR11 that likely explains the patient's clinical findings. DECIPHER 389893 has a 2.06 Mb deletion nested within the region deleted in this fetus that arose from a balanced parental rearrangement. The child is reported to have fused labia minora, generalized hypotonia, and global developmental delay. DECIPHER 480223 has a de novo 1.88 Mb del nested within the deletion found in this fetus and has hypertrophic cardiomyopathy, short stature, and global developmental delay.

GRCh38/hg38 11p15.4(chr11:4793595-7562692)x1

Genes: A-GAMMA3'E (A-gamma-globin 3' regulatory region; plus strand), APBB1 (amyloid beta precursor protein binding family B member 1; minus strand), ARFIP2 (ARF interacting protein 2; minus strand), BGLT3 (beta globin locus transcript 3; minus strand), C11orf42 (chromosome 11 open reading frame 42; plus strand) and 182 more. Cytogenetic location: 11p15.4.
Variant type: copy number loss.
Change: copy number 1 (one copy instead of two) of chr11:4,793,595-7,562,692 (2.77 Mb, GRCh38 coordinates, 1-based), cytogenetic band 11p15.4.
Identifiers: ClinVar variation 4974749 (VCV004974749.1).